The following is an entry in ClinVar:

ClinVar aggregate classification (germline): Conflicting classifications of pathogenicity. Review status: criteria provided, conflicting classifications (1 of 4 stars). 7 submissions from 7 submitters: Uncertain significance (1); Benign (3); Likely benign (2). 1 of the submissions does not count toward it. Last evaluated 2026-01-25.

Conditions:
LAMP2-related disorder. Also called: LAMP2-related condition.
Cardiovascular phenotype. Identifiers: MedGen CN230736.
Cardiomyopathy (CMYO). Also called: Cardiomyopathies. Identifiers: Orphanet 167848, MedGen C0878544, MONDO:0004994, HP:0001638. Inheritance: Various modes of inheritance.
Danon disease. Also called: PSEUDOGLYCOGENOSIS II; GSD IIb; LYSOSOMAL GLYCOGEN STORAGE DISEASE WITHOUT ACID MALTASE DEFICIENCY; Glycogen Storage Disease Type IIb; ANTOPOL DISEASE. Identifiers: Orphanet 34587, MedGen C0878677, MONDO:0010281, OMIM 300257.

Allele frequency attached by ClinVar (database versions not stated): gnomAD exomes 0.00013 and 0.00005; ExAC 0.00016; ESP Exome Variant Server 0.00028; 1000 Genomes Project 30x 0.00042; gnomAD 0.00045; TOPMed 0.00047; 1000 Genomes Project 0.00053.

Submissions (7):

Labcorp Genetics (formerly Invitae), Labcorp
Classification: Benign for Danon disease. Last evaluated: 2026-01-25. Review status: criteria provided, single submitter. Criteria: Invitae Variant Classification Sherloc (09022015). Collection method: clinical testing. Allele origin: germline.

Molecular Diagnostic Laboratory for Inherited Cardiovascular Disease, Montreal Heart Institute
Classification: Likely benign. Last evaluated: 2025-04-09. Review status: criteria provided, single submitter. Criteria: ACMG Guidelines, 2015. Collection method: clinical testing. Allele origin: germline. Affected: no.

GeneDx
Classification: Benign. Last evaluated: 2020-11-12. Review status: criteria provided, single submitter. Criteria: GeneDx Variant Classification Process June 2021. Collection method: clinical testing. Allele origin: germline. Affected: yes.

CHEO Genetics Diagnostic Laboratory, Children's Hospital of Eastern Ontario
Classification: Benign for Cardiomyopathy. Last evaluated: 2020-09-30. Review status: criteria provided, single submitter. Criteria: ACMG Guidelines, 2015. Collection method: clinical testing. Allele origin: germline.

Ambry Genetics
Classification: Likely benign for Cardiovascular phenotype. Last evaluated: 2018-10-08. Review status: criteria provided, single submitter. Criteria: Ambry Variant Classification Scheme 2023. Collection method: clinical testing. Allele origin: germline.

Eurofins Ntd Llc (ga)
Classification: Uncertain significance. Last evaluated: 2014-07-21. Review status: criteria provided, single submitter. Criteria: EGL Classification Definitions 2015. Collection method: clinical testing. Allele origin: germline. Observed: 1 variant allele, 1 hemizygote.

PreventionGenetics, part of Exact Sciences
Classification: Likely benign for LAMP2-related condition. Last evaluated: 2022-07-31. Review status: no assertion criteria provided. Collection method: clinical testing. Allele origin: germline. Not counted in ClinVar's aggregate classification.
Comment: This variant is classified as likely benign based on ACMG/AMP sequence variant interpretation guidelines (Richards et al. 2015 PMID: 25741868, with internal and published modifications).

NM_002294.3(LAMP2):c.385G>A (p.Ala129Thr)

Gene: LAMP2 (lysosome associated membrane protein 2; minus strand). Cytogenetic location: Xq24.
Variant type: single nucleotide variant.
Coding change: c.385G>A on transcript NM_002294.3 (MANE Select); coding-DNA position 385, G replaced by A.
Protein change: p.Ala129Thr; replaces alanine 129 with threonine.
Molecular consequence: missense variant.
Genome position (GRCh38, 1-based): chrX:120,455,369, C>T on the plus strand (G>A on the coding strand, the complement: LAMP2 is on the minus strand). VCF-style: chrX-120455369-C-T. GRCh37 (hg19) VCF-style: chrX-119589224-C-T.
Other names: p.A129T:GCT>ACT; c.385G>A, p.Ala129Thr (NM_001122606.1, NM_013995.2); short protein forms A129T.
Identifiers: ClinVar variation 180871 (VCV000180871.25), dbSNP rs149276836, ClinGen allele CA243249.